The following is an entry in ClinVar:

NM_000660.7(TGFB1):c.1070T>G (p.Val357Gly)

Gene: TGFB1 (transforming growth factor beta 1; minus strand). Cytogenetic location: 19q13.2.
Variant type: single nucleotide variant.
Coding change: c.1070T>G on transcript NM_000660.7 (MANE Select); coding-DNA position 1070, T replaced by G.
Protein change: p.Val357Gly; replaces valine 357 with glycine.
Molecular consequence: missense variant.
Genome position (GRCh38, 1-based): chr19:41,331,155, A>C on the plus strand (T>G on the coding strand, the complement: TGFB1 is on the minus strand). VCF-style: chr19-41331155-A-C. GRCh37 (hg19) VCF-style: chr19-41837060-A-C.
Other names: short protein forms V357G.
Identifiers: ClinVar variation 3350385 (VCV003350385.1).

ClinVar aggregate classification (germline): Uncertain significance (0 of 4 stars; one submission).

Conditions:
TGFB1-related disorder. Also called: TGFB1-related condition.

gnomAD v4.1: 6 of 1,564,502 alleles (0.00038%); highest among the groups gnomAD compares: Non-Finnish European, 0.00052%; no homozygotes.

Submission:

PreventionGenetics, part of Exact Sciences
Classification: Uncertain significance for TGFB1-related condition. Last evaluated: 2024-09-17. Review status: no assertion criteria provided. Collection method: clinical testing. Allele origin: germline.
Comment: The TGFB1 c.1070T>G variant is predicted to result in the amino acid substitution p.Val357Gly. To our knowledge, this variant has not been reported in the literature or in a large population database, indicating this variant is rare. At this time, the clinical significance of this variant is uncertain due to the absence of conclusive functional and genetic evidence.